The following is an entry in ClinVar:

NM_001206744.2(TPO):c.989A>C (p.Tyr330Ser)

Gene: TPO (thyroid peroxidase; plus strand). Cytogenetic location: 2p25.3.
Variant type: single nucleotide variant.
Coding change: c.989A>C on transcript NM_001206744.2 (MANE Select); coding-DNA position 989, A replaced by C.
Protein change: p.Tyr330Ser; replaces tyrosine 330 with serine.
Molecular consequence: missense variant. On other transcripts: intron variant (1).
Genome position (GRCh38, 1-based): chr2:1,477,255, A>C. VCF-style: chr2-1477255-A-C. GRCh37 (hg19) VCF-style: chr2-1481027-A-C.
Other names: c.989A>C, p.Tyr330Ser (NM_000547.6, NM_001206745.2, NM_175719.4 and 1 more transcripts); c.820-7341A>C (NM_175722.3); short protein forms Y330S.
Identifiers: ClinVar variation 5038144 (VCV005038144.1).
Genomic context (GRCh38, chr2:1,477,255, plus strand): 5'-CGGCCAACCCGCGGCAGCAGATGAACGGGTTGACCTCGTTCCTGGACGCGTCCACCGTGT[A>C]TGGCAGCTCCCCGGCCCTAGAGAGGCAGCTGCGGAACTGGACCAGTGCCGAAGGGCTGCT-3'
Protein context (NP_001193673.1, residues 320-340): LTSFLDASTV[Tyr330Ser]GSSPALERQL

ClinVar aggregate classification (germline): Likely pathogenic (1 of 4 stars; one submission).

Conditions:
Deficiency of iodide peroxidase (TDH2A). Also called: THYROID HORMONOGENESIS, GENETIC DEFECT IN, 2A; THYROID PEROXIDASE DEFICIENCY; HYPOTHYROIDISM, CONGENITAL, DUE TO DYSHORMONOGENESIS, 2A; IODIDE PEROXIDASE DEFICIENCY; Thyroid dyshormonogenesis 2A. Identifiers: Orphanet 95716, MedGen C1291299, MONDO:0010133, OMIM 274500.

Submission:

MVZ Medizinische Genetik Mainz
Classification: Likely pathogenic for Deficiency of iodide peroxidase. Last evaluated: 2026-02-04. Review status: criteria provided, single submitter. Criteria: UK Practice Guidelines For Variant Classification V4 01 2020. Collection method: clinical testing. Allele origin: germline. Inheritance: Autosomal recessive inheritance. Affected: yes. Observed: 1 variant allele.
Comment: ACMG Criteria: PP3_STR,PM1_SUP,PM2_SUP